The following is an entry in ClinVar:

NM_000540.3(RYR1):c.11731A>G (p.Thr3911Ala)

Gene: RYR1 (ryanodine receptor 1; plus strand). Cytogenetic location: 19q13.2.
Variant type: single nucleotide variant.
Coding change: c.11731A>G on transcript NM_000540.3 (MANE Select); coding-DNA position 11731, A replaced by G.
Protein change: p.Thr3911Ala; replaces threonine 3911 with alanine.
Molecular consequence: missense variant.
Genome position (GRCh38, 1-based): chr19:38,543,388, A>G. VCF-style: chr19-38543388-A-G. GRCh37 (hg19) VCF-style: chr19-39034028-A-G.
Other names: c.11716A>G, p.Thr3906Ala (NM_001042723.2); short protein forms T3911A, T3906A.
Identifiers: ClinVar variation 224401 (VCV000224401.16), dbSNP rs200622493, ClinGen allele CA057560.

ClinVar aggregate classification (germline): Conflicting classifications of pathogenicity. Review status: criteria provided, conflicting classifications (1 of 4 stars). 7 submissions from 7 submitters: Uncertain significance (5); Benign (1). 1 of the submissions does not count toward it. Last evaluated 2026-08-06.

Conditions:
Acute rhabdomyolysis. Identifiers: MedGen C3807306, HP:0008942.
RYR1-related disorder. Also called: RYR1-related condition; RYR1-related disorders. Identifiers: MedGen CN239331.
Malignant hyperthermia, susceptibility to, 1 (MHS1). Also called: Anesthesia related hyperthermia; Malignant hyperpyrexia; Fulminating hyperpyrexia; Pharmacogenic myopathy; Malignant hyperthermia suceptibility 1; RYR1-Related Malignant Hyperthermia Susceptibility. Identifiers: Orphanet 423, MedGen C2930980, MONDO:0007783, OMIM 145600.

Allele frequency attached by ClinVar (database versions not stated): gnomAD 0.00001 and 0.00003; TOPMed 0.00004; gnomAD exomes 0.00011; ExAC 0.00012.
gnomAD v4.1: 112 of 1,614,082 alleles (0.0069%); highest among the groups gnomAD compares: South Asian, 0.071%; 3 homozygotes.

Submissions (7):

NHS Central & South Genomic Laboratory Hub
Classification: Uncertain significance for Acute Rhabdomyolysis. Last evaluated: 2026-08-06. Review status: criteria provided, single submitter. Criteria: ACMG Guidelines, 2015. Collection method: clinical testing. Allele origin: germline. Affected: yes.

Color Diagnostics, LLC DBA Color Health
Classification: Uncertain significance for Malignant hyperthermia, susceptibility to, 1. Last evaluated: 2025-06-02. Review status: criteria provided, single submitter. Criteria: ACMG Guidelines, 2015. Collection method: clinical testing. Allele origin: germline.
Comment: This missense variant replaces threonine with alanine at codon 3911 of the RYR1 protein. Computational prediction is inconclusive regarding the impact of this variant on protein structure and function. To our knowledge, functional studies have not been reported for this variant. This variant has not been reported in individuals affected with RYR1-related disorders in the literature. This variant has been identified in 27/251492 chromosomes in the general population by the Genome Aggregation Database (gnomAD). The available evidence is insufficient to determine the role of this variant in disease conclusively. Therefore, this variant is classified as a Variant of Uncertain Significance.

Labcorp Genetics (formerly Invitae), Labcorp
Classification: Benign for RYR1-related disorder. Last evaluated: 2025-02-05. Review status: criteria provided, single submitter. Criteria: Invitae Variant Classification Sherloc (09022015). Collection method: clinical testing. Allele origin: germline.

All of Us Research Program, National Institutes of Health
Classification: Uncertain significance for Malignant hyperthermia, susceptibility to, 1. Last evaluated: 2024-09-23. Review status: criteria provided, single submitter. Criteria: ACMG Guidelines, 2015. Collection method: clinical testing. Allele origin: germline. Inheritance: Autosomal dominant inheritance. Observed: 17 variant alleles, 17 heterozygotes.
Comment: This missense variant replaces threonine with alanine at codon 3911 of the RYR1 protein. Computational prediction is inconclusive regarding the impact of this variant on protein structure and function (internally defined REVEL score threshold 0.5 < inconclusive < 0.7, PMID: 27666373). To our knowledge, functional studies have not been reported for this variant. This variant has not been reported in individuals affected with RYR1-related disorders in the literature. This variant has been identified in 27/251492 chromosomes in the general population by the Genome Aggregation Database (gnomAD). The available evidence is insufficient to determine the role of this variant in disease conclusively. Therefore, this variant is classified as a Variant of Uncertain Significance.

This study involves interpretation of variants in research participants for the purpose of population health screening. Participant phenotype was not available at the time of variant classification. Additional details can be found in publication PMID: 35346344, PMCID: PMC8962531

GeneDx
Classification: Uncertain significance. Last evaluated: 2024-04-28. Review status: criteria provided, single submitter. Criteria: GeneDx Variant Classification Process June 2021. Collection method: clinical testing. Allele origin: germline. Affected: yes.
Comment: In silico analysis supports that this missense variant has a deleterious effect on protein structure/function; Has not been previously published as pathogenic or benign to our knowledge

Biesecker Lab/Clinical Genomics Section, National Institutes of Health
Classification: Uncertain significance for Malignant hyperthermia, susceptibility to, 1. Last evaluated: 2013-07-01. Review status: criteria provided, single submitter. Criteria: Gonsalves et al. 2013. Collection method: research. Allele origin: unknown. Observed: 1 variant allele. Study: ClinSeq.
Comment: The study set was not selected for affection status in relation to any myopathy. Pathogenicity categories were based on literature curation. See Pubmed ID: 24195946 for details.

PreventionGenetics, part of Exact Sciences
Classification: Uncertain significance for RYR1-related condition. Last evaluated: 2023-11-17. Review status: no assertion criteria provided. Collection method: clinical testing. Allele origin: germline. Not counted in ClinVar's aggregate classification.
Comment: The RYR1 c.11731A>G variant is predicted to result in the amino acid substitution p.Thr3911Ala. This variant was reported as a variant of uncertain significance in a cohort study of an unselected population for identification of malignant hyperthermia susceptibility (Supplement 3, Gonsalves et al. 2013. PubMed ID: 24195946). This variant is reported in 0.072% of alleles in individuals of South Asian descent, including one homozygote, in gnomAD. Other amino acid substitutions near the p.Thr3911 residue have been reported to be causative for RYR1-related disorders (Human Gene Mutation Database). Although we suspect this variant may be benign, at this time, the clinical significance of this variant is uncertain due to the absence of conclusive functional and genetic evidence.